The following is an entry in ClinVar:

NM_016360.4(TACO1):c.394A>G (p.Lys132Glu)

Gene: TACO1 (translational activator of cytochrome c oxidase I; plus strand). Cytogenetic location: 17q23.3.
Variant type: single nucleotide variant.
Coding change: c.394A>G on transcript NM_016360.4 (MANE Select); coding-DNA position 394, A replaced by G.
Protein change: p.Lys132Glu; replaces lysine 132 with glutamic acid.
Molecular consequence: missense variant.
Genome position (GRCh38, 1-based): chr17:63,606,319, A>G. VCF-style: chr17-63606319-A-G. GRCh37 (hg19) VCF-style: chr17-61683679-A-G.
Other names: short protein forms K132E.
Identifiers: ClinVar variation 1950716 (VCV001950716.5), dbSNP rs2510881178, ClinGen allele CA400551283.

ClinVar aggregate classification (germline): Uncertain significance (1 of 4 stars; one submission).

Allele frequency attached by ClinVar (database versions not stated): gnomAD exomes below 0.00001.
gnomAD v4.1: 1 of 1,613,390 alleles (0.000062%); highest among the groups gnomAD compares: Non-Finnish European, 0.000085%; no homozygotes.

Submission:

Labcorp Genetics (formerly Invitae), Labcorp
Classification: Uncertain significance. Last evaluated: 2022-09-29. Review status: criteria provided, single submitter. Criteria: Invitae Variant Classification Sherloc (09022015). Collection method: clinical testing. Allele origin: germline.
Comment: This variant has not been reported in the literature in individuals affected with TACO1-related conditions. This variant is not present in population databases (gnomAD no frequency). This sequence change replaces lysine, which is basic and polar, with glutamic acid, which is acidic and polar, at codon 132 of the TACO1 protein (p.Lys132Glu). In summary, the available evidence is currently insufficient to determine the role of this variant in disease. Therefore, it has been classified as a Variant of Uncertain Significance. Advanced modeling of protein sequence and biophysical properties (such as structural, functional, and spatial information, amino acid conservation, physicochemical variation, residue mobility, and thermodynamic stability) performed at Invitae indicates that this missense variant is not expected to disrupt TACO1 protein function.